The following is an entry in ClinVar:

ClinVar aggregate classification (germline): Pathogenic (1 of 4 stars; one submission).

Conditions:
Pyruvate dehydrogenase E1-beta deficiency (PDHBD). Identifiers: Orphanet 255138, Orphanet 765, MedGen C3279841, MONDO:0013580, OMIM 614111.

Submission:

Labcorp Genetics (formerly Invitae), Labcorp
Classification: Pathogenic for Pyruvate dehydrogenase E1-beta deficiency. Last evaluated: 2023-04-07. Review status: criteria provided, single submitter. Criteria: Invitae Variant Classification Sherloc (09022015). Collection method: clinical testing. Allele origin: germline.
Comment: For these reasons, this variant has been classified as Pathogenic. This variant has not been reported in the literature in individuals affected with PDHB-related conditions. This variant is not present in population databases (gnomAD no frequency). This sequence change creates a premature translational stop signal (p.Tyr77*) in the PDHB gene. It is expected to result in an absent or disrupted protein product. Loss-of-function variants in PDHB are known to be pathogenic (PMID: 21914562, 25356417).

Literature cited by the submitters: PubMed 21914562; PubMed 25356417.

NM_000925.4(PDHB):c.231T>G (p.Tyr77Ter)

Gene: PDHB (pyruvate dehydrogenase E1 subunit beta; minus strand). Cytogenetic location: 3p14.3.
Variant type: single nucleotide variant.
Coding change: c.231T>G on transcript NM_000925.4 (MANE Select); coding-DNA position 231, T replaced by G.
Protein change: p.Tyr77Ter; replaces tyrosine 77 with a stop codon.
Molecular consequence: nonsense. On other transcripts: non-coding transcript variant (1).
Genome position (GRCh38, 1-based): chr3:58,431,767, A>C on the plus strand (T>G on the coding strand, the complement: PDHB is on the minus strand). VCF-style: chr3-58431767-A-C. GRCh37 (hg19) VCF-style: chr3-58417494-A-C.
Other names: c.231T>G, p.Tyr77Ter (NM_001173468.2); c.177T>G, p.Tyr59Ter (NM_001315536.2); short protein forms Y59*, Y77*.
Identifiers: ClinVar variation 2853430 (VCV002853430.3), dbSNP rs1320317596, ClinGen allele CA353363240.
Genomic context (GRCh38, chr3:58,431,767, plus strand): 5'-TCTGCTTCCCACTGGAAGGCTTACCTCTGATATGGGAGTGTCAATAATCCTCTTGTCTCC[A>C]TATTTCTTCCACAGCCCTCGACTAACCTACAATTAAGAGTTGATCCCTTAAGTGTATCTG-3'